The following is an entry in ClinVar:

ClinVar aggregate classification (germline): Benign. Review status: criteria provided, multiple submitters, no conflicts (2 of 4 stars). 3 submissions from 3 submitters: Benign (2). 1 of the submissions does not count toward it. Last evaluated 2026-01-29.

Allele frequency attached by ClinVar (database versions not stated): 1000 Genomes Project 0.02396; ExAC 0.02179; gnomAD 0.02344 and 0.02324; TOPMed 0.02413; gnomAD exomes 0.02141 and 0.02607; 1000 Genomes Project 30x 0.02389; ESP Exome Variant Server 0.02630.
gnomAD v4.1: 41,836 of 1,613,556 alleles (2.6%); highest among the groups gnomAD compares: South Asian, 2.9%; 616 homozygotes.

Submissions (3):

Labcorp Genetics (formerly Invitae), Labcorp
Classification: Benign. Last evaluated: 2026-01-29. Review status: criteria provided, single submitter. Criteria: Invitae Variant Classification Sherloc (09022015). Collection method: clinical testing. Allele origin: germline.

Breakthrough Genomics
Classification: Benign. Review status: criteria provided, single submitter. Criteria: ACMG Guidelines, 2015. Collection method: not provided. Allele origin: germline. Inheritance: Autosomal recessive inheritance. Affected: yes.

Genetic Services Laboratory, University of Chicago
Classification: Likely benign for AllHighlyPenetrant. Review status: no assertion criteria provided. Collection method: clinical testing. Allele origin: germline. Inheritance: Autosomal recessive inheritance. Not counted in ClinVar's aggregate classification.
Comment: Likely benign based on allele frequency in 1000 Genomes Project or ESP global frequency and its presence in a patient with a rare or unrelated disease phenotype. NOT Sanger confirmed.

NM_020987.5(ANK3):c.402T>C (p.Asn134=)

Gene: ANK3 (ankyrin 3; minus strand). Cytogenetic location: 10q21.2.
Variant type: single nucleotide variant.
Coding change: c.402T>C on transcript NM_020987.5 (MANE Select); coding-DNA position 402, T replaced by C.
Protein change: p.Asn134=; no amino-acid change (asparagine 134 retained).
Molecular consequence: synonymous variant.
Genome position (GRCh38, 1-based): chr10:60,278,786, A>G on the plus strand (T>C on the coding strand, the complement: ANK3 is on the minus strand). VCF-style: chr10-60278786-A-G. GRCh37 (hg19) VCF-style: chr10-62038544-A-G.
Other names: c.384T>C, p.Asn128= (NM_001204403.2); c.351T>C, p.Asn117= (NM_001204404.2); c.402T>C, p.Asn134= (NM_001320874.2).
Identifiers: ClinVar variation 128370 (VCV000128370.15), dbSNP rs1031688, ClinGen allele CA151790.